The following is an entry in ClinVar:

ClinVar aggregate classification (germline): Likely pathogenic (1 of 4 stars; one submission).

Conditions:
Congenital myopathy with fiber type disproportion. Also called: Congenital fiber-type disproportion myopathy; Congenital fiber-type disproportion. Identifiers: Orphanet 2020, MedGen C0546264, MONDO:0009711. Inheritance: all.

Allele frequency attached by ClinVar (database versions not stated): gnomAD exomes below 0.00001.

Submission:

Laboratorio de Genetica e Diagnostico Molecular, Hospital Israelita Albert Einstein
Classification: Likely pathogenic for Congenital myopathy 4A, autosomal dominant. Last evaluated: 2022-09-16. Review status: criteria provided, single submitter. Criteria: ACMG Guidelines, 2015. Collection method: clinical testing. Allele origin: germline. Affected: yes. Observed: 1 variant allele.
Comment: ACMG classification criteria: PM2 moderated, PM5 moderated, PP3 supporting, PP4

NM_152263.4(TPM3):c.535C>T (p.Arg179Cys)

Gene: TPM3 (tropomyosin 3; minus strand). Cytogenetic location: 1q21.3.
Variant type: single nucleotide variant.
Coding change: c.535C>T on transcript NM_152263.4 (MANE Select); coding-DNA position 535, C replaced by T.
Protein change: p.Arg179Cys; replaces arginine 179 with cysteine.
Molecular consequence: missense variant. On other transcripts: non-coding transcript variant (1).
Genome position (GRCh38, 1-based): chr1:154,172,939, G>A on the plus strand (C>T on the coding strand, the complement: TPM3 is on the minus strand). VCF-style: chr1-154172939-G-A. GRCh37 (hg19) VCF-style: chr1-154145415-G-A.
Other names: c.424C>T, p.Arg142Cys (NM_001043351.2, NM_001043352.2, NM_001043353.2 and 5 more transcripts); c.226C>T, p.Arg76Cys (NM_001278188.2); c.154C>T, p.Arg52Cys (NM_001278191.2); c.535C>T, p.Arg179Cys (NM_001364679.2, NM_001364680.2, NM_001364681.2 and 1 more transcripts); short protein forms R142C, R179C, R52C, R76C.
Identifiers: ClinVar variation 2431882 (VCV002431882.1), dbSNP rs2526035615, ClinGen allele CA342584155.